The following is an entry in ClinVar:

ClinVar aggregate classification (germline): Uncertain significance (1 of 4 stars; one submission).

Submission:

Labcorp Genetics (formerly Invitae), Labcorp
Classification: Uncertain significance. Last evaluated: 2024-10-08. Review status: criteria provided, single submitter. Criteria: Invitae Variant Classification Sherloc (09022015). Collection method: clinical testing. Allele origin: germline.
Comment: This sequence change replaces proline, which is neutral and non-polar, with arginine, which is basic and polar, at codon 370 of the DMP1 protein (p.Pro370Arg). This variant is not present in population databases (gnomAD no frequency). This variant has not been reported in the literature in individuals affected with DMP1-related conditions. ClinVar contains an entry for this variant (Variation ID: 1946803). Invitae Evidence Modeling of protein sequence and biophysical properties (such as structural, functional, and spatial information, amino acid conservation, physicochemical variation, residue mobility, and thermodynamic stability) indicates that this missense variant is not expected to disrupt DMP1 protein function with a negative predictive value of 80%. In summary, the available evidence is currently insufficient to determine the role of this variant in disease. Therefore, it has been classified as a Variant of Uncertain Significance.

NM_004407.4(DMP1):c.1109C>G (p.Pro370Arg)

Genes: DMP1 (dentin matrix acidic phosphoprotein 1; plus strand), DMP1-AS1 (DMP1 and DSPP antisense RNA 1; minus strand). Cytogenetic location: 4q22.1.
Variant type: single nucleotide variant.
Coding change: c.1109C>G on transcript NM_004407.4 (MANE Select); coding-DNA position 1109, C replaced by G.
Protein change: p.Pro370Arg; replaces proline 370 with arginine.
Molecular consequence: missense variant.
Genome position (GRCh38, 1-based): chr4:87,662,887, C>G. VCF-style: chr4-87662887-C-G. GRCh37 (hg19) VCF-style: chr4-88584039-C-G.
Other names: c.1061C>G, p.Pro354Arg (NM_001079911.3); short protein forms P354R, P370R.
Identifiers: ClinVar variation 1946803 (VCV001946803.5), dbSNP rs2475945483, ClinGen allele CA357700547.